The following is an entry in ClinVar:

ClinVar aggregate classification (germline): Conflicting classifications of pathogenicity. Review status: criteria provided, conflicting classifications (1 of 4 stars). 3 submissions from 3 submitters: Uncertain significance (1); Likely benign (2). Last evaluated 2026-09-17.

Conditions:
Liddle syndrome 2. Identifiers: MedGen C4748251, MONDO:0020854, OMIM 618114.

Submissions (3):

GeneDx
Classification: Uncertain significance. Last evaluated: 2026-09-17. Review status: criteria provided, single submitter. Criteria: GeneDx Variant Classification Process June 2021. Collection method: clinical testing. Allele origin: germline.
Comment: In silico analysis supports a deleterious effect on splicing; Has not been previously published as pathogenic or benign to our knowledge

Labcorp Genetics (formerly Invitae), Labcorp
Classification: Likely benign. Last evaluated: 2025-06-12. Review status: criteria provided, single submitter. Criteria: Invitae Variant Classification Sherloc (09022015). Collection method: clinical testing. Allele origin: germline.

Genomic Medicine Center of Excellence, King Faisal Specialist Hospital and Research Centre
Classification: Likely benign for Liddle syndrome 2. Last evaluated: 2024-09-22. Review status: criteria provided, single submitter. Criteria: ACMG Guidelines, 2015. Collection method: clinical testing. Allele origin: germline.

NM_001039.4(SCNN1G):c.1078-17TGC[3]

Gene: SCNN1G (sodium channel epithelial 1 subunit gamma; plus strand). Cytogenetic location: 16p12.2.
Variant type: Microsatellite.
Coding change: c.1078-17TGC[3] on transcript NM_001039.4 (MANE Select); three copies in a row of the 3-base unit TGC starting at c.1078-17.
Molecular consequence: intron variant.
Genome position: GRCh38 VCF-style: chr16-23209732-G-GTGC. GRCh37 (hg19) VCF-style: chr16-23221053-G-GTGC.
Other names: c.1078-12_1078-10dup (NM_001039.4).
Identifiers: ClinVar variation 2956870 (VCV002956870.6), dbSNP rs72647517, ClinGen allele CA7959772.